The following is an entry in ClinVar:

NM_000722.4(CACNA2D1):c.659-4_659-3del

Gene: CACNA2D1 (calcium voltage-gated channel auxiliary subunit alpha2delta 1; minus strand). Cytogenetic location: 7q21.11.
Variant type: Deletion.
Coding change: c.659-4_659-3del on transcript NM_000722.4 (MANE Select); 4 bases into the intron before coding-DNA position 659 through 3 bases into the intron before coding-DNA position 659, 2 bases deleted (TT; older notation c.659-4_659-3delTT).
Molecular consequence: intron variant.
Genome position (GRCh38, 1-based): chr7:82,066,527-82,066,528, AA deleted on the plus strand (TT on the coding strand, the reverse complement: CACNA2D1 is on the minus strand); deleting any 2 consecutive bases within chr7:82,066,527-82,066,542 gives the same sequence; the c. name uses the placement nearest the transcript's 3' end. VCF-style (leftmost placement, unchanged base first): chr7-82066526-TAA-T. GRCh37 (hg19) VCF-style: chr7-81695842-TAA-T.
Other names: NC_000007.13:g.81695857_81695858del; p.?; c.659-4_659-3del (LRG_437t1, NM_001366867.1, NM_001302890.2); c.659-18_659-17del (NM_000722.4).
Identifiers: ClinVar variation 518490 (VCV000518490.11), dbSNP rs370103843, ClinGen allele CA4318267.

ClinVar aggregate classification (germline): Benign/Likely benign. Review status: criteria provided, multiple submitters, no conflicts (2 of 4 stars). 6 submissions from 6 submitters: Benign (2); Likely benign (1). 3 of the submissions do not count toward it. Last evaluated 2024-01-17.

Conditions:
Cardiovascular phenotype. Identifiers: MedGen CN230736.
CACNA2D1-related disorder. Also called: CACNA2D1-related condition.

Submissions (8):

Mayo Clinic Laboratories, Mayo Clinic
Classification: Benign. Last evaluated: 2024-01-17. Review status: criteria provided, single submitter. Criteria: ACMG Guidelines, 2015. Collection method: clinical testing. Allele origin: germline. Observed: 21 variant alleles.
Comment: BS1, BS2, BP4

GeneDx
Classification: Benign. Last evaluated: 2019-08-06. Review status: criteria provided, single submitter. Criteria: GeneDx Variant Classification Process June 2021. Collection method: clinical testing. Allele origin: germline. Affected: yes.

Ambry Genetics
Classification: Likely benign for Cardiovascular phenotype. Last evaluated: 2015-08-19. Review status: criteria provided, single submitter. Criteria: Ambry Autosomal Dominant and X-Linked criteria (10/2015). Collection method: clinical testing. Allele origin: germline. Observed: 1 variant allele.

PreventionGenetics, part of Exact Sciences
Classification: Benign for CACNA2D1-related condition. Last evaluated: 2019-06-26. Review status: no assertion criteria provided. Collection method: clinical testing. Allele origin: germline. Not counted in ClinVar's aggregate classification.
Comment: This variant is classified as benign based on ACMG/AMP sequence variant interpretation guidelines (Richards et al. 2015 PMID: 25741868, with internal and published modifications).

Clinical Genetics, Academic Medical Center
Classification: Benign. Review status: no assertion criteria provided. Collection method: clinical testing. Allele origin: germline. Affected: yes. Study: VKGL Data-share Consensus. Not counted in ClinVar's aggregate classification.

Dr. Peter K. Rogan Lab, Western University
No classification provided (evidence only). Condition: Clear cell carcinoma of kidney. Review status: no classification provided. Collection method: in vitro. Allele origin: not applicable. Functional consequence: retained intron. Not counted in ClinVar's aggregate classification.

Dr. Peter K. Rogan Lab, Western University
No classification provided (evidence only). Condition: Gastric cancer. Review status: no classification provided. Collection method: in vitro. Allele origin: not applicable. Functional consequence: retained intron. Not counted in ClinVar's aggregate classification.

Genome Diagnostics Laboratory, University Medical Center Utrecht
Classification: Benign. Review status: no assertion criteria provided. Collection method: clinical testing. Allele origin: germline. Affected: yes. Study: VKGL Data-share Consensus. Not counted in ClinVar's aggregate classification.